The following is an entry in ClinVar:

ClinVar aggregate classification (germline): Conflicting classifications of pathogenicity. Review status: criteria provided, conflicting classifications (1 of 4 stars). 2 submissions from 2 submitters: Pathogenic (1); Uncertain significance (1). Last evaluated 2025-09-08.

Conditions:
Arrhythmogenic right ventricular dysplasia 10. Also called: ARRHYTHMOGENIC RIGHT VENTRICULAR DYSPLASIA, FAMILIAL, 10; Arrhythmogenic right ventricular dysplasia/cardiomyopathy, type 10; Arrhythmogenic Right Ventricular Dysplasia/Cardiomyopathy10. Identifiers: MedGen C1857777, MONDO:0012434, OMIM 610193.
Cardiomyopathy (CMYO). Also called: Cardiomyopathies. Identifiers: Orphanet 167848, MedGen C0878544, MONDO:0004994, HP:0001638. Inheritance: Various modes of inheritance.

Submissions (2):

Labcorp Genetics (formerly Invitae), Labcorp
Classification: Pathogenic for Arrhythmogenic right ventricular dysplasia 10. Last evaluated: 2025-09-08. Review status: criteria provided, single submitter. Criteria: Invitae Variant Classification Sherloc (09022015). Collection method: clinical testing. Allele origin: germline.
Comment: This sequence change affects the initiator codon of the DSG2 mRNA. This change may impact translation initiation or efficiency. The next in-frame methionine is located at codon 179. This variant is not present in population databases (gnomAD no frequency). Disruption of the initiator codon has been observed in individual(s) with arrhythmogenic right ventricular cardiomyopathy (PMID: 17105751). It has also been observed to segregate with disease in related individuals. ClinVar contains an entry for this variant (Variation ID: 924921). This variant disrupts a region of the DSG2 protein in which other variant(s) (p.Arg49His) have been determined to be pathogenic (PMID: 19151369, 19863551, 20400443). This suggests that this is a clinically significant region of the protein, and that variants that disrupt it are likely to be disease-causing. For these reasons, this variant has been classified as Pathogenic.

Color Diagnostics, LLC DBA Color Health
Classification: Uncertain significance for Cardiomyopathy. Last evaluated: 2021-05-03. Review status: criteria provided, single submitter. Criteria: ACMG Guidelines, 2015. Collection method: clinical testing. Allele origin: germline.
Comment: This variant alters the translation initiation codon of the DSG2 mRNA. An alternate in-frame methionine downstream of the initiator methionine occurs at codon 179 in extracellular cadherin domain 2, after signal peptide and propeptide. This variant is expected to disrupt translation initiation and result in an absent or truncated protein product. To our knowledge, functional assays have not been performed for this variant nor has this variant been reported in individuals affected with cardiovascular disorders in the literature. This variant has not been identified in the general population by the Genome Aggregation Database (gnomAD). Although there is a suspicion for a pathogenic role, clinical relevance of loss-of-function DSG2 truncation and splice variants in autosomal dominant arrhythmogenic right ventricular cardiomyopathy is not yet clearly established. The available evidence is insufficient to determine the role of this variant in disease conclusively. Therefore, this variant is classified as a Variant of Uncertain Significance.

Literature cited by the submitters: PubMed 17105751 (cited by Labcorp Genetics (formerly Invitae), Labcorp); PubMed 19151369 (cited by Labcorp Genetics (formerly Invitae), Labcorp); PubMed 19863551 (cited by Labcorp Genetics (formerly Invitae), Labcorp); PubMed 20400443 (cited by Labcorp Genetics (formerly Invitae), Labcorp).

NM_001943.5(DSG2):c.1A>C (p.Met1Leu)

Genes: DSG2 (desmoglein 2; plus strand), LOC130062340 (ATAC-STARR-seq lymphoblastoid silent region 9384; plus strand). Cytogenetic location: 18q12.1.
Variant type: single nucleotide variant.
Coding change: c.1A>C on transcript NM_001943.5 (MANE Select); coding-DNA position 1, A replaced by C.
Protein change: p.Met1Leu; changes the start codon (methionine 1).
Molecular consequence: missense variant, initiator codon variant.
Genome position (GRCh38, 1-based): chr18:31,498,252, A>C. VCF-style: chr18-31498252-A-C. GRCh37 (hg19) VCF-style: chr18-29078215-A-C.
Other names: short protein forms M1L.
Identifiers: ClinVar variation 924921 (VCV000924921.6), dbSNP rs2072994017, ClinGen allele CA402127516.
Genomic context (GRCh38, chr18:31,498,252, plus strand): 5'-CGCTCGGGGCAGGCGGCGGCGCGGAGCGGTGCGGCGGCGGGAGGCGGAGGCGAGGGTGCG[A>C]TGGCGCGGAGCCCGGGACGCGCGTACGCCCTGCTGCTTCTCCTGGTAAGTGCCGCAAGCG-3'
Protein context (NP_001934.2, residues 1-11): [Met1Leu]ARSPGRAYAL